The following is an entry in ClinVar:

ClinVar aggregate classification (germline): Uncertain significance (1 of 4 stars; one submission).

Conditions:
Immunodeficiency 67. Also called: Immunodeficiency due to interleukin-1 receptor-associated kinase-4 deficiency. Identifiers: Orphanet 70592, MedGen C1843256, MONDO:0011888, OMIM 607676.

Allele frequency attached by ClinVar (database versions not stated): TOPMed below 0.00001; ExAC 0.00002; gnomAD exomes 0.00002.

Submission:

Labcorp Genetics (formerly Invitae), Labcorp
Classification: Uncertain significance for Immunodeficiency 67. Last evaluated: 2021-09-01. Review status: criteria provided, single submitter. Criteria: Invitae Variant Classification Sherloc (09022015). Collection method: clinical testing. Allele origin: germline.
Comment: This sequence change replaces proline with glutamine at codon 445 of the IRAK4 protein (p.Pro445Gln). The proline residue is highly conserved and there is a moderate physicochemical difference between proline and glutamine. This variant is present in population databases (rs752108446, ExAC 0.02%). This variant has not been reported in the literature in individuals affected with IRAK4-related conditions. Algorithms developed to predict the effect of missense changes on protein structure and function are either unavailable or do not agree on the potential impact of this missense change (SIFT: "Deleterious"; PolyPhen-2: "Probably Damaging"; Align-GVGD: "Class C0"). In summary, the available evidence is currently insufficient to determine the role of this variant in disease. Therefore, it has been classified as a Variant of Uncertain Significance.

NM_016123.4(IRAK4):c.1334C>A (p.Pro445Gln)

Gene: IRAK4 (interleukin 1 receptor associated kinase 4; plus strand). Cytogenetic location: 12q12.
Variant type: single nucleotide variant.
Coding change: c.1334C>A on transcript NM_016123.4 (MANE Select); coding-DNA position 1334, C replaced by A.
Protein change: p.Pro445Gln; replaces proline 445 with glutamine.
Molecular consequence: missense variant.
Genome position (GRCh38, 1-based): chr12:43,786,544, C>A. VCF-style: chr12-43786544-C-A. GRCh37 (hg19) VCF-style: chr12-44180347-C-A.
Other names: c.1334C>A, p.Pro445Gln (NM_001114182.3, NM_001351345.2); c.962C>A, p.Pro321Gln (NM_001145256.2, NM_001145257.2, NM_001145258.2 and 5 more transcripts); c.725C>A, p.Pro242Gln (NM_001351343.2, NM_001351344.2); short protein forms P242Q, P321Q, P445Q.
Identifiers: ClinVar variation 1007444 (VCV001007444.6), dbSNP rs752108446, ClinGen allele CA6522641.